The following is an entry in ClinVar:

NM_001376.5(DYNC1H1):c.438C>T (p.Tyr146=)

Gene: DYNC1H1 (dynein cytoplasmic 1 heavy chain 1; plus strand). Cytogenetic location: 14q32.31.
Variant type: single nucleotide variant.
Coding change: c.438C>T on transcript NM_001376.5 (MANE Select); coding-DNA position 438, C replaced by T.
Protein change: p.Tyr146=; no amino-acid change (tyrosine 146 retained).
Molecular consequence: synonymous variant.
Genome position (GRCh38, 1-based): chr14:101,979,412, C>T. VCF-style: chr14-101979412-C-T. GRCh37 (hg19) VCF-style: chr14-102445749-C-T.
Identifiers: ClinVar variation 513857 (VCV000513857.7), dbSNP rs764884119, ClinGen allele CA7351529.

ClinVar aggregate classification (germline): Likely benign. Review status: criteria provided, multiple submitters, no conflicts (2 of 4 stars). 4 submissions from 4 submitters: Likely benign (4). Last evaluated 2025-12-19.

Conditions:
Charcot-Marie-Tooth disease. Also called: Charcot-Marie-Tooth Neuropathy; Charcot-Marie-Tooth Hereditary Neuropathy. Identifiers: Orphanet 166, MedGen C0007959, MONDO:0015626.
Charcot-Marie-Tooth disease axonal type 2O. Also called: Charcot-Marie-Tooth Neuropathy Type 2O; CHARCOT-MARIE-TOOTH NEUROPATHY, AXONAL, TYPE 2O; CHARCOT-MARIE-TOOTH DISEASE, AXONAL, AUTOSOMAL DOMINANT, TYPE 2O; Charcot-Marie-Tooth disease, axonal, type 20. Identifiers: Orphanet 284232, MedGen C3280220, MONDO:0013644, OMIM 614228.

Allele frequency attached by ClinVar (database versions not stated): gnomAD 0.00001; gnomAD exomes 0.00001 and 0.00003; ExAC 0.00003.
gnomAD v4.1: 19 of 1,614,062 alleles (0.0012%); highest among the groups gnomAD compares: South Asian, 0.0066%; no homozygotes.

Submissions (4):

Labcorp Genetics (formerly Invitae), Labcorp
Classification: Likely benign for Charcot-Marie-Tooth disease axonal type 2O. Last evaluated: 2025-12-19. Review status: criteria provided, single submitter. Criteria: Invitae Variant Classification Sherloc (09022015). Collection method: clinical testing. Allele origin: germline.

Blueprint Genetics
Classification: Likely benign. Last evaluated: 2023-03-31. Review status: criteria provided, single submitter. Criteria: ACMG Guidelines, 2015. Collection method: clinical testing. Allele origin: germline.

GeneDx
Classification: Likely benign. Last evaluated: 2017-12-12. Review status: criteria provided, single submitter. Criteria: GeneDx Variant Classification (06012015). Collection method: clinical testing. Allele origin: germline. Affected: yes.
Comment: This variant is considered likely benign or benign based on one or more of the following criteria: it is a conservative change, it occurs at a poorly conserved position in the protein, it is predicted to be benign by multiple in silico algorithms, and/or has population frequency not consistent with disease.

Molecular Genetics Laboratory, London Health Sciences Centre
Classification: Likely benign for Charcot-Marie-Tooth disease. Review status: criteria provided, single submitter. Criteria: ACMG Guidelines, 2015. Collection method: clinical testing. Allele origin: germline. Affected: yes.